The following is an entry in ClinVar:

NM_001374828.1(ARID1B):c.3665A>G (p.Asp1222Gly)

Gene: ARID1B (AT-rich interaction domain 1B; plus strand). Cytogenetic location: 6q25.3.
Variant type: single nucleotide variant.
Coding change: c.3665A>G on transcript NM_001374828.1 (MANE Select); coding-DNA position 3665, A replaced by G.
Protein change: p.Asp1222Gly; replaces aspartic acid 1222 with glycine.
Molecular consequence: missense variant.
Genome position (GRCh38, 1-based): chr6:157,181,129, A>G. VCF-style: chr6-157181129-A-G. GRCh37 (hg19) VCF-style: chr6-157502263-A-G.
Other names: c.3545A>G, p.Asp1182Gly (NM_001374820.1, NM_001371656.1); c.3794A>G, p.Asp1265Gly (NM_001438482.1); c.3707A>G, p.Asp1236Gly (NM_001438483.1); c.3575A>G, p.Asp1192Gly (NM_001438485.1); c.3548A>G, p.Asp1183Gly (NM_001438486.1); c.3485A>G, p.Asp1162Gly (NM_001438487.1); c.1007A>G, p.Asp336Gly (NM_001438488.1); c.3506A>G, p.Asp1169Gly (NM_017519.3); and 1 more; short protein forms D1182G, D1183G, D1265G, D1169G, D389G, D1162G, D1192G, D1222G.
Identifiers: ClinVar variation 5009734 (VCV005009734.1).

ClinVar aggregate classification (germline): Uncertain significance (1 of 4 stars; one submission).

Submission:

GeneDx
Classification: Uncertain significance. Last evaluated: 2026-02-20. Review status: criteria provided, single submitter. Criteria: GeneDx Variant Classification Process June 2021. Collection method: clinical testing. Allele origin: germline.
Comment: In silico analysis supports that this missense variant has a deleterious effect on protein structure/function; Has not been previously published as pathogenic or benign to our knowledge; Not observed at significant frequency in large population cohorts (gnomAD)